The following is an entry in ClinVar:

NM_001374736.1(DST):c.1939G>A (p.Glu647Lys)

Gene: DST (dystonin; minus strand). Cytogenetic location: 6p12.1.
Variant type: single nucleotide variant.
Coding change: c.1939G>A on transcript NM_001374736.1 (MANE Select); coding-DNA position 1939, G replaced by A.
Protein change: p.Glu647Lys; replaces glutamic acid 647 with lysine.
Molecular consequence: missense variant.
Genome position (GRCh38, 1-based): chr6:56,642,035, C>T on the plus strand (G>A on the coding strand, the complement: DST is on the minus strand). VCF-style: chr6-56642035-C-T. GRCh37 (hg19) VCF-style: chr6-56506833-C-T.
Other names: c.1840G>A, p.Glu614Lys (NM_001144769.5); c.1426G>A, p.Glu476Lys (NM_001144770.2); c.1939G>A, p.Glu647Lys (NM_001374722.1); c.1306G>A, p.Glu436Lys (NM_001374729.1, NM_001374730.1, NM_001386100.1 and 1 more transcripts); c.1966G>A, p.Glu656Lys (NM_001374734.1); c.328G>A, p.Glu110Lys (NM_001723.7, NM_015548.5); short protein forms E110K, E436K, E476K, E614K, E647K, E656K.
Identifiers: ClinVar variation 2414362 (VCV002414362.4), dbSNP rs755853443, ClinGen allele CA3871528.

ClinVar aggregate classification (germline): Uncertain significance (1 of 4 stars; one submission).

Conditions:
Hereditary sensory and autonomic neuropathy type 6. Also called: HSAN VI; Neuropathy, hereditary sensory and autonomic, type VI. Identifiers: Orphanet 314381, MedGen C3539003, MONDO:0013839, OMIM 614653.
Epidermolysis bullosa simplex 3, localized or generalized intermediate, with BP230 deficiency (EBS3). Also called: Epidermolysis bullosa simplex due to BP230 deficiency; Epidermolysis bullosa simplex, autosomal recessive 2. Identifiers: Orphanet 412181, MedGen C3809470, MONDO:0014180, OMIM 615425.

Allele frequency attached by ClinVar (database versions not stated): ExAC 0.00001.
gnomAD v4.1: 3 of 1,612,634 alleles (0.00019%); highest among the groups gnomAD compares: Admixed American, 0.005%; no homozygotes.

Submission:

Labcorp Genetics (formerly Invitae), Labcorp
Classification: Uncertain significance for Epidermolysis bullosa simplex 3, localized or generalized intermediate, with BP230 deficiency; Hereditary sensory and autonomic neuropathy type 6. Last evaluated: 2024-10-17. Review status: criteria provided, single submitter. Criteria: Invitae Variant Classification Sherloc (09022015). Collection method: clinical testing. Allele origin: germline.
Comment: This sequence change replaces glutamic acid, which is acidic and polar, with lysine, which is basic and polar, at codon 110 of the DST protein (p.Glu110Lys). This variant is present in population databases (rs755853443, gnomAD 0.009%). This variant has not been reported in the literature in individuals affected with DST-related conditions. ClinVar contains an entry for this variant (Variation ID: 2414362). An algorithm developed to predict the effect of missense changes on protein structure and function (PolyPhen-2) suggests that this variant is likely to be disruptive. In summary, the available evidence is currently insufficient to determine the role of this variant in disease. Therefore, it has been classified as a Variant of Uncertain Significance.